The following is an entry in ClinVar:

NM_020461.4(TUBGCP6):c.5107G>T (p.Val1703Leu)

Gene: TUBGCP6 (tubulin gamma complex component 6; minus strand). Cytogenetic location: 22q13.33.
Variant type: single nucleotide variant.
Coding change: c.5107G>T on transcript NM_020461.4 (MANE Select); coding-DNA position 5107, G replaced by T.
Protein change: p.Val1703Leu; replaces valine 1703 with leucine.
Molecular consequence: missense variant.
Genome position (GRCh38, 1-based): chr22:50,218,250, C>A on the plus strand (G>T on the coding strand, the complement: TUBGCP6 is on the minus strand). VCF-style: chr22-50218250-C-A. GRCh37 (hg19) VCF-style: chr22-50656679-C-A.
Other names: short protein forms V1703L.
Identifiers: ClinVar variation 1176449 (VCV001176449.39), dbSNP rs750468397, ClinGen allele CA10307183.
Genomic context (GRCh38, chr22:50,218,250, plus strand): 5'-TGAAGACGGCCTTGTGCAGGTACTCTGCGTGCGCACGCTGGATCTCCTCCAGGTCGCCCA[C>A]GGTGGCCAACCTGGCCCTGAACTCGCACCAGGTGACGTGCAGGATCTGGTTGGCGATGTA-3'
Protein context (NP_065194.3, residues 1693-1713): WCEFRARLAT[Val1703Leu]GDLEEIQRAH

ClinVar aggregate classification (germline): Uncertain significance. Review status: criteria provided, multiple submitters, no conflicts (2 of 4 stars). 3 submissions from 3 submitters: Uncertain significance (3). Last evaluated 2024-08-21.

Allele frequency attached by ClinVar (database versions not stated): ExAC 0.00001.
gnomAD v4.1: 29 of 1,612,934 alleles (0.0018%); highest among the groups gnomAD compares: Non-Finnish European, 0.0025%; no homozygotes.

Submissions (3):

Labcorp Genetics (formerly Invitae), Labcorp
Classification: Uncertain significance. Last evaluated: 2024-08-21. Review status: criteria provided, single submitter. Criteria: Invitae Variant Classification Sherloc (09022015). Collection method: clinical testing. Allele origin: germline.
Comment: This sequence change replaces valine, which is neutral and non-polar, with leucine, which is neutral and non-polar, at codon 1703 of the TUBGCP6 protein (p.Val1703Leu). This variant is present in population databases (rs750468397, gnomAD 0.003%). This variant has not been reported in the literature in individuals affected with TUBGCP6-related conditions. ClinVar contains an entry for this variant (Variation ID: 1176449). An algorithm developed to predict the effect of missense changes on protein structure and function (PolyPhen-2) suggests that this variant is likely to be disruptive. In summary, the available evidence is currently insufficient to determine the role of this variant in disease. Therefore, it has been classified as a Variant of Uncertain Significance.

Blueprint Genetics
Classification: Uncertain significance. Last evaluated: 2022-02-02. Review status: criteria provided, single submitter. Criteria: ACMG Guidelines, 2015. Collection method: clinical testing. Allele origin: germline.

CeGaT Center for Human Genetics Tuebingen
Classification: Uncertain significance. Last evaluated: 2021-04-01. Review status: criteria provided, single submitter. Criteria: CeGaT Center For Human Genetics Tuebingen Variant Classification Criteria Version 2. Collection method: clinical testing. Allele origin: germline. Affected: yes. Observed: 1 variant allele.